The following is an entry in ClinVar:

ClinVar aggregate classification (germline): Uncertain significance (1 of 4 stars; one submission).

Conditions:
Fanconi anemia (FA). Also called: Fanconi's anemia. Identifiers: Orphanet 84, MedGen C0015625, MeSH D005199, MONDO:0019391.

Submission:

Labcorp Genetics (formerly Invitae), Labcorp
Classification: Uncertain significance for Fanconi anemia. Last evaluated: 2023-08-16. Review status: criteria provided, single submitter. Criteria: Invitae Variant Classification Sherloc (09022015). Collection method: clinical testing. Allele origin: germline.
Comment: In summary, the available evidence is currently insufficient to determine the role of this variant in disease. Therefore, it has been classified as a Variant of Uncertain Significance. Advanced modeling of protein sequence and biophysical properties (such as structural, functional, and spatial information, amino acid conservation, physicochemical variation, residue mobility, and thermodynamic stability) performed at Invitae indicates that this missense variant is expected to disrupt FANCA protein function. This variant has not been reported in the literature in individuals affected with FANCA-related conditions. This variant is not present in population databases (gnomAD no frequency). This sequence change replaces alanine, which is neutral and non-polar, with proline, which is neutral and non-polar, at codon 47 of the FANCA protein (p.Ala47Pro).

NM_000135.4(FANCA):c.139G>C (p.Ala47Pro)

Gene: FANCA (FA complementation group A; minus strand). Cytogenetic location: 16q24.3.
Variant type: single nucleotide variant.
Coding change: c.139G>C on transcript NM_000135.4 (MANE Select); coding-DNA position 139, G replaced by C.
Protein change: p.Ala47Pro; replaces alanine 47 with proline.
Molecular consequence: missense variant.
Genome position (GRCh38, 1-based): chr16:89,815,927, C>G on the plus strand (G>C on the coding strand, the complement: FANCA is on the minus strand). VCF-style: chr16-89815927-C-G. GRCh37 (hg19) VCF-style: chr16-89882335-C-G.
Other names: c.139G>C, p.Ala47Pro (NM_001018112.3, NM_001286167.3, NM_001351830.2); short protein forms A47P.
Identifiers: ClinVar variation 2752904 (VCV002752904.2), dbSNP rs1190475225, ClinGen allele CA397483388.